The following is an entry in ClinVar:

NM_003072.5(SMARCA4):c.1853A>C (p.Lys618Thr)

Gene: SMARCA4 (SWI/SNF related BAF chromatin remodeling complex subunit ATPase 4; plus strand). Cytogenetic location: 19p13.2.
Variant type: single nucleotide variant.
Coding change: c.1853A>C on transcript NM_003072.5 (MANE Select); coding-DNA position 1853, A replaced by C.
Protein change: p.Lys618Thr; replaces lysine 618 with threonine.
Molecular consequence: missense variant. On other transcripts: non-coding transcript variant (1).
Genome position (GRCh38, 1-based): chr19:11,003,069, A>C. VCF-style: chr19-11003069-A-C. GRCh37 (hg19) VCF-style: chr19-11113745-A-C.
Other names: c.1853A>C, p.Lys618Thr (NM_001128844.3, NM_001128845.2, NM_001128846.2 and 6 more transcripts); short protein forms K618T.
Identifiers: ClinVar variation 3636855 (VCV003636855.2).

ClinVar aggregate classification (germline): Uncertain significance (1 of 4 stars; one submission).

Conditions:
Rhabdoid tumor predisposition syndrome 2 (RTPS2). Identifiers: Orphanet 231108, Orphanet 69077, MedGen C2750074, MONDO:0013224, OMIM 613325.

gnomAD v4.1: 1 of 1,614,094 alleles (0.000062%); highest among the groups gnomAD compares: Non-Finnish European, 0.000085%; no homozygotes.

Submission:

Labcorp Genetics (formerly Invitae), Labcorp
Classification: Uncertain significance for Rhabdoid tumor predisposition syndrome 2. Last evaluated: 2024-11-13. Review status: criteria provided, single submitter. Criteria: Invitae Variant Classification Sherloc (09022015). Collection method: clinical testing. Allele origin: germline.
Comment: This sequence change replaces lysine, which is basic and polar, with threonine, which is neutral and polar, at codon 618 of the SMARCA4 protein (p.Lys618Thr). This variant is not present in population databases (gnomAD no frequency). This variant has not been reported in the literature in individuals affected with SMARCA4-related conditions. Invitae Evidence Modeling of protein sequence and biophysical properties (such as structural, functional, and spatial information, amino acid conservation, physicochemical variation, residue mobility, and thermodynamic stability) indicates that this missense variant is not expected to disrupt SMARCA4 protein function with a negative predictive value of 95%. In summary, the available evidence is currently insufficient to determine the role of this variant in disease. Therefore, it has been classified as a Variant of Uncertain Significance.